The following is an entry in ClinVar:

ClinVar aggregate classification (germline): Likely benign. Review status: criteria provided, multiple submitters, no conflicts (2 of 4 stars). 3 submissions from 3 submitters: Likely benign (3). Last evaluated 2025-02-19.

Conditions:
Hereditary cancer-predisposing syndrome. Also called: Hereditary Cancer Syndrome; Hereditary neoplastic syndrome; Neoplastic Syndromes, Hereditary; Tumor predisposition. Identifiers: Orphanet 140162, MedGen C0027672, MeSH D009386, MONDO:0015356.
Breast-ovarian cancer, familial, susceptibility to, 3. Also called: RAD51C-Related Breast/Ovarian Cancer. Identifiers: Orphanet 145, MedGen C3150659, MONDO:0013253, OMIM 613399.
Fanconi anemia complementation group O. Also called: RAD51C-Related Fanconi Anemia. Identifiers: Orphanet 84, MedGen C3150653, MONDO:0013248, OMIM 613390.

Allele frequency attached by ClinVar (database versions not stated): gnomAD exomes below 0.00001.
gnomAD v4.1: 1 of 1,607,660 alleles (0.000062%); highest among the groups gnomAD compares: Non-Finnish European, 0.000085%; no homozygotes.

Submissions (3):

Myriad Genetics, Inc.
Classification: Likely benign for Breast-ovarian cancer, familial, susceptibility to, 3. Last evaluated: 2025-02-19. Review status: criteria provided, single submitter. Criteria: Myriad Autosomal Dominant, Autosomal Recessive and X-Linked Classification Criteria (2023). Collection method: clinical testing. Allele origin: unknown.
Comment: This variant is considered likely benign. This variant is intronic and is not expected to impact mRNA splicing.

Labcorp Genetics (formerly Invitae), Labcorp
Classification: Likely benign for Fanconi anemia complementation group O. Last evaluated: 2023-09-12. Review status: criteria provided, single submitter. Criteria: Invitae Variant Classification Sherloc (09022015). Collection method: clinical testing. Allele origin: germline.

Color Diagnostics, LLC DBA Color Health
Classification: Likely benign for Hereditary cancer-predisposing syndrome. Last evaluated: 2018-11-26. Review status: criteria provided, single submitter. Criteria: ACMG Guidelines, 2015. Collection method: clinical testing. Allele origin: germline.

NM_058216.3(RAD51C):c.965+7A>G

Gene: RAD51C (RAD51 paralog C; plus strand). Cytogenetic location: 17q22.
Variant type: single nucleotide variant.
Coding change: c.965+7A>G on transcript NM_058216.3 (MANE Select); 7 bases into the intron after coding-DNA position 965, A replaced by G.
Molecular consequence: intron variant.
Genome position (GRCh38, 1-based): chr17:58,724,107, A>G. VCF-style: chr17-58724107-A-G. GRCh37 (hg19) VCF-style: chr17-56801468-A-G.
Identifiers: ClinVar variation 924622 (VCV000924622.12), dbSNP rs1170701075, ClinGen allele CA626737570.